The following is an entry in ClinVar:

ClinVar aggregate classification (germline): Uncertain significance (1 of 4 stars; one submission).

Conditions:
Hereditary cancer-predisposing syndrome. Also called: Neoplastic Syndromes, Hereditary; Tumor predisposition; Hereditary neoplastic syndrome; Hereditary Cancer Syndrome. Identifiers: Orphanet 140162, MedGen C0027672, MeSH D009386, MONDO:0015356.

Submission:

Ambry Genetics
Classification: Uncertain significance for Hereditary cancer-predisposing syndrome. Last evaluated: 2022-12-08. Review status: criteria provided, single submitter. Criteria: Ambry Variant Classification Scheme 2023. Collection method: clinical testing. Allele origin: germline.
Comment: The p.F162V variant (also known as c.484T>G), located in coding exon 1 of the MET gene, results from a T to G substitution at nucleotide position 484. The phenylalanine at codon 162 is replaced by valine, an amino acid with highly similar properties. This amino acid position is conserved. In addition, this alteration is predicted to be tolerated by in silico analysis. Since supporting evidence is limited at this time, the clinical significance of this alteration remains unclear.

NM_000245.4(MET):c.484T>G (p.Phe162Val)

Gene: MET (MET proto-oncogene, receptor tyrosine kinase; plus strand). Cytogenetic location: 7q31.2.
Variant type: single nucleotide variant.
Coding change: c.484T>G on transcript NM_000245.4 (MANE Select); coding-DNA position 484, T replaced by G.
Protein change: p.Phe162Val; replaces phenylalanine 162 with valine.
Molecular consequence: missense variant. On other transcripts: intron variant (1).
Genome position (GRCh38, 1-based): chr7:116,699,568, T>G. VCF-style: chr7-116699568-T-G. GRCh37 (hg19) VCF-style: chr7-116339622-T-G.
Other names: c.484T>G, p.Phe162Val (NM_001127500.3, NM_001324401.3); c.-91+26991T>G (NM_001324402.2); short protein forms F162V.
Identifiers: ClinVar variation 2453386 (VCV002453386.2), dbSNP rs2116590036, ClinGen allele CA368969185.